The following is an entry in ClinVar:

NM_002890.3(RASA1):c.619A>G (p.Arg207Gly)

Genes: CCNH (cyclin H; minus strand), RASA1 (RAS p21 protein activator 1; plus strand). Cytogenetic location: 5q14.3.
Variant type: single nucleotide variant.
Coding change: c.619A>G on transcript NM_002890.3 (MANE Select); coding-DNA position 619, A replaced by G.
Protein change: p.Arg207Gly; replaces arginine 207 with glycine.
Molecular consequence: missense variant. On other transcripts: intron variant (1).
Genome position (GRCh38, 1-based): chr5:87,331,427, A>G. VCF-style: chr5-87331427-A-G. GRCh37 (hg19) VCF-style: chr5-86627244-A-G.
Other names: c.88A>G, p.Arg30Gly (NM_022650.3); c.934-18632T>C (NM_001364075.2); short protein forms R30G, R207G.
Identifiers: ClinVar variation 4722729 (VCV004722729.1).

ClinVar aggregate classification (germline): Uncertain significance (1 of 4 stars; one submission).

Conditions:
Capillary malformation-arteriovenous malformation syndrome. Also called: Capillary malformation-arteriovenous malformation. Identifiers: Orphanet 137667, MedGen C1842180, MONDO:0012016.

Submission:

Labcorp Genetics (formerly Invitae), Labcorp
Classification: Uncertain significance for Capillary malformation-arteriovenous malformation syndrome. Last evaluated: 2025-07-06. Review status: criteria provided, single submitter. Criteria: Invitae Variant Classification Sherloc (09022015). Collection method: clinical testing. Allele origin: germline.
Comment: This sequence change replaces arginine, which is basic and polar, with glycine, which is neutral and non-polar, at codon 207 of the RASA1 protein (p.Arg207Gly). This variant is not present in population databases (gnomAD no frequency). This variant has not been reported in the literature in individuals affected with RASA1-related conditions. An algorithm developed to predict the effect of missense changes on protein structure and function (PolyPhen-2) suggests that this variant is likely to be tolerated. In summary, the available evidence is currently insufficient to determine the role of this variant in disease. Therefore, it has been classified as a Variant of Uncertain Significance.